The following is an entry in ClinVar:

ClinVar aggregate classification (germline): Pathogenic (1 of 4 stars; one submission).

Submission:

Quest Diagnostics Nichols Institute San Juan Capistrano
Classification: Pathogenic. Last evaluated: 2024-05-29. Review status: criteria provided, single submitter. Criteria: ACMG/ClinGen CNV Guidelines, 2019. Collection method: clinical testing. Allele origin: unknown.
Comment: This deletion includes multiple exons (NM_004360.5) of the 5' portion of the CDH1 gene (OMIM 192090). Haploinsufficiency of CDH1 (CCID:006818) has been associated with diffuse gastric and lobular breast cancer syndrome (DGLBC; OMIM 137215). Overlapping deletions involving the 5' portion of CDH1 have been reported (Adib 2022, Ben Aissa-Haj 2022, Garcia-Pelaez 2023, Forster 2021, Hansford 2015, Oliveira 2009 ). Thus, based on current medical literature, this copy number variant (CNV) is classified as pathogenic. References: Adib et al., Br J Cancer. 2022 Mar;126(5):797-803. PMID: 34949788; Ben Aissa-Haj et al., Genes (Basel). 2022 Feb 23;13(3):400. PMID: 35327954; Garcia-Pelaez et al., Lancet Oncol. 2023 Jan;24(1):91-106. PMID: 36436516; Forster et al., Acta Neuropathol. 2021 Jul;142(1):191-210. PMID: 33929593; Hansford et al., JAMA Oncol. 2015 Apr;1(1):23-32. PMID: 26182300; Oliveira et al., Hum Mol Genet. 2009 May 1;18(9):1545-55. PMID: 19168852

GRCh37/hg19 16q22.1(chr16:68754434-68796185)x1

Gene: CDH1 (cadherin 1; plus strand). Cytogenetic location: 16q22.1.
Variant type: copy number loss.
Change: copy number 1 (one copy instead of two) of chr16:68,754,434-68,796,185 (41.8 kb, GRCh37 coordinates, 1-based), cytogenetic band 16q22.1.
Identifiers: ClinVar variation 3391931 (VCV003391931.1).